The following is an entry in ClinVar:

NM_005670.4(EPM2A):c.301+1G>C

Genes: EPM2A (EPM2A glucan phosphatase, laforin; minus strand), EPM2A-DT (EPM2A divergent transcript; plus strand), LOC129997381 (ATAC-STARR-seq lymphoblastoid silent region 17642; plus strand). Cytogenetic location: 6q24.3.
Variant type: single nucleotide variant.
Coding change: c.301+1G>C on transcript NM_005670.4 (MANE Select); the canonical splice donor site of the intron after coding-DNA position 301, G replaced by C.
Molecular consequence: splice donor variant. On other transcripts: intron variant (2).
Genome position (GRCh38, 1-based): chr6:145,735,197, C>G on the plus strand (G>C on the coding strand, the complement: EPM2A is on the minus strand). VCF-style: chr6-145735197-C-G. GRCh37 (hg19) VCF-style: chr6-146056333-C-G.
Other names: c.-114+711G>C (NM_001360064.2); c.-114+48G>C (NM_001368131.1); c.301+1G>C (NM_001360057.2, NM_001018041.2, NM_001368130.1); c.-323+1G>C (NM_001368129.2); c.-369+1G>C (NM_001360071.2).
Identifiers: ClinVar variation 3340091 (VCV003340091.2).

ClinVar aggregate classification (germline): Likely pathogenic (1 of 4 stars; one submission).

Conditions:
Myoclonic epilepsy of Lafora 1 (MELF1). Also called: EPM2A-Related Lafora Disease; LAFORA DISEASE 1; EPILEPSY, PROGRESSIVE MYOCLONIC, 2A; Epilepsy, progressive myoclonic 2A (Lafora). Identifiers: MedGen CN377204, MONDO:0958199, OMIM 254780.

Submission:

Centre de Recherche et de Formation en Génétique Médicale et en Neurosciences, Université des Sciences, des Techniques et des Technologies de Bamako
Classification: Likely pathogenic for Myoclonic epilepsy of Lafora 1. Last evaluated: 2024-08-30. Review status: criteria provided, single submitter. Criteria: ACMG Guidelines, 2015. Collection method: research. Allele origin: de novo. Inheritance: Sporadic. Affected: yes. Observed: 1 homozygote.
Comment: PSV1 (Very stong): Null variant (intronic within ±2 of splice site) in gene EPM2A. Loss-of-function is a known mechanism of disease (gene has 35 reported pathogenic LOF variants). PM2 (Supporting): Variant not found in gnomAD genomes, good gnomAD genomes coverage = 24.8.Variant not found in gnomAD exomes, good gnomAD exomes coverage = 31.6.